The following is an entry in ClinVar:

ClinVar aggregate classification (germline): Uncertain significance. Review status: criteria provided, multiple submitters, no conflicts (2 of 4 stars). 2 submissions from 2 submitters: Uncertain significance (2). Last evaluated 2024-06-18.

Conditions:
Fanconi renotubular syndrome 2 (FRTS2). Identifiers: MedGen C3150652, MONDO:0013247, OMIM 613388.
Hypophosphatemic nephrolithiasis/osteoporosis 1. Identifiers: Orphanet 244305, MedGen C2676786, MONDO:0012850, OMIM 612286.
Hypercalcemia, infantile, 2 (HCINF2). Identifiers: Orphanet 300547, MedGen C4310473, MONDO:0014851, OMIM 616963.

Allele frequency attached by ClinVar (database versions not stated): gnomAD 0.00001; gnomAD exomes 0.00001; TOPMed 0.00001.

Submissions (2):

Fulgent Genetics
Classification: Uncertain significance for Hypophosphatemic nephrolithiasis/osteoporosis 1; Fanconi renotubular syndrome 2; Hypercalcemia, infantile, 2. Last evaluated: 2024-06-18. Review status: criteria provided, single submitter. Criteria: ACMG Guidelines, 2015. Collection method: clinical testing. Allele origin: germline.

Labcorp Genetics (formerly Invitae), Labcorp
Classification: Uncertain significance. Last evaluated: 2022-06-08. Review status: criteria provided, single submitter. Criteria: Invitae Variant Classification Sherloc (09022015). Collection method: clinical testing. Allele origin: germline.
Comment: This sequence change replaces valine, which is neutral and non-polar, with methionine, which is neutral and non-polar, at codon 158 of the SLC34A1 protein (p.Val158Met). This variant is present in population databases (rs550248810, gnomAD 0.006%). This variant has not been reported in the literature in individuals affected with SLC34A1-related conditions. Algorithms developed to predict the effect of missense changes on protein structure and function are either unavailable or do not agree on the potential impact of this missense change (SIFT: "Deleterious"; PolyPhen-2: "Probably Damaging"; Align-GVGD: "Class C15"). In summary, the available evidence is currently insufficient to determine the role of this variant in disease. Therefore, it has been classified as a Variant of Uncertain Significance.

NM_003052.5(SLC34A1):c.472G>A (p.Val158Met)

Gene: SLC34A1 (solute carrier family 34 member 1; plus strand). Cytogenetic location: 5q35.3.
Variant type: single nucleotide variant.
Coding change: c.472G>A on transcript NM_003052.5 (MANE Select); coding-DNA position 472, G replaced by A.
Protein change: p.Val158Met; replaces valine 158 with methionine.
Molecular consequence: missense variant.
Genome position (GRCh38, 1-based): chr5:177,386,506, G>A. VCF-style: chr5-177386506-G-A. GRCh37 (hg19) VCF-style: chr5-176813507-G-A.
Other names: c.472G>A, p.Val158Met (NM_001167579.2); short protein forms V158M.
Identifiers: ClinVar variation 2419131 (VCV002419131.5), dbSNP rs550248810, ClinGen allele CA132878129.